The following is an entry in ClinVar:

ClinVar aggregate classification (germline): Conflicting classifications of pathogenicity. Review status: criteria provided, conflicting classifications (1 of 4 stars). 7 submissions from 7 submitters: Uncertain significance (4); Likely benign (1). 2 of the submissions do not count toward it. Last evaluated 2025-08-28.

Conditions:
Inborn genetic diseases. Identifiers: MedGen C0950123, MeSH D030342.
MYH14-related disorder. Also called: MYH14-related condition.
Autosomal dominant nonsyndromic hearing loss 4A. Also called: Deafness, autosomal dominant 4A. Identifiers: Orphanet 90635, MedGen C1833503, MONDO:0010915, OMIM 600652.

Allele frequency attached by ClinVar (database versions not stated): ExAC below 0.00001; gnomAD 0.00013; TOPMed 0.00013.
gnomAD v4.1: 125 of 1,554,188 alleles (0.008%); highest among the groups gnomAD compares: Non-Finnish European, 0.01%; no homozygotes.

Submissions (7):

PreventionGenetics, part of Exact Sciences
Classification: Uncertain significance for MYH14-related condition. Last evaluated: 2025-08-28. Review status: criteria provided, single submitter. Criteria: ACMG Guidelines, 2015. Collection method: clinical testing. Allele origin: germline.
Comment: The MYH14 c.2864G>A variant is predicted to result in the amino acid substitution p.Arg955Gln. To our knowledge, this variant has not been reported in the literature. This variant is reported in 0.022% of alleles in individuals of European (Non-Finnish) descent in gnomAD. Although we suspect that this variant may be benign, at this time, the clinical significance of this variant is uncertain due to the absence of conclusive functional and genetic evidence.

Ambry Genetics
Classification: Uncertain significance for Inborn genetic diseases. Last evaluated: 2025-08-25. Review status: criteria provided, single submitter. Criteria: Ambry Variant Classification Scheme 2023. Collection method: clinical testing. Allele origin: germline.

Labcorp Genetics (formerly Invitae), Labcorp
Classification: Uncertain significance. Last evaluated: 2024-01-15. Review status: criteria provided, single submitter. Criteria: Invitae Variant Classification Sherloc (09022015). Collection method: clinical testing. Allele origin: germline.
Comment: This sequence change replaces arginine, which is basic and polar, with glutamine, which is neutral and polar, at codon 914 of the MYH14 protein (p.Arg914Gln). This variant is present in population databases (rs576611342, gnomAD 0.02%). This variant has not been reported in the literature in individuals affected with MYH14-related conditions. ClinVar contains an entry for this variant (Variation ID: 329924). Algorithms developed to predict the effect of missense changes on protein structure and function output the following: SIFT: "Not Available"; PolyPhen-2: "Benign"; Align-GVGD: "Not Available". The glutamine amino acid residue is found in multiple mammalian species, which suggests that this missense change does not adversely affect protein function. In summary, the available evidence is currently insufficient to determine the role of this variant in disease. Therefore, it has been classified as a Variant of Uncertain Significance.

CeGaT Center for Human Genetics Tuebingen
Classification: Likely benign. Last evaluated: 2023-05-01. Review status: criteria provided, single submitter. Criteria: CeGaT Center For Human Genetics Tuebingen Variant Classification Criteria Version 2. Collection method: clinical testing. Allele origin: germline. Affected: yes. Observed: 1 variant allele.
Comment: MYH14: BP4

Illumina Laboratory Services, Illumina
Classification: Uncertain significance for Autosomal dominant nonsyndromic hearing loss 4A. Last evaluated: 2018-01-12. Review status: criteria provided, single submitter. Criteria: ICSL Variant Classification Criteria 13 December 2019. Collection method: clinical testing. Allele origin: germline.

Clinical Genetics, Academic Medical Center
Classification: Uncertain significance. Review status: no assertion criteria provided. Collection method: clinical testing. Allele origin: germline. Affected: yes. Study: VKGL Data-share Consensus. Not counted in ClinVar's aggregate classification.

Joint Genome Diagnostic Labs from Nijmegen and Maastricht, Radboudumc and MUMC+
Classification: Uncertain significance. Review status: no assertion criteria provided. Collection method: clinical testing. Allele origin: germline. Affected: yes. Study: VKGL Data-share Consensus. Not counted in ClinVar's aggregate classification.

NM_001145809.2(MYH14):c.2864G>A (p.Arg955Gln)

Gene: MYH14 (myosin heavy chain 14; plus strand). Cytogenetic location: 19q13.33.
Variant type: single nucleotide variant.
Coding change: c.2864G>A on transcript NM_001145809.2 (MANE Select); coding-DNA position 2864, G replaced by A.
Protein change: p.Arg955Gln; replaces arginine 955 with glutamine.
Molecular consequence: missense variant.
Genome position (GRCh38, 1-based): chr19:50,268,198, G>A. VCF-style: chr19-50268198-G-A. GRCh37 (hg19) VCF-style: chr19-50771455-G-A.
Other names: c.2864G>A (NM_001145809.1); c.2765G>A, p.Arg922Gln (NM_001077186.2); c.2741G>A, p.Arg914Gln (NM_024729.4); short protein forms R914Q, R955Q, R922Q.
Identifiers: ClinVar variation 329924 (VCV000329924.41), dbSNP rs576611342, ClinGen allele CA9593063.